The following is an entry in ClinVar:

ClinVar aggregate classification (germline): Conflicting classifications of pathogenicity. Review status: criteria provided, conflicting classifications (1 of 4 stars). 15 submissions from 15 submitters: Uncertain significance (1); Benign (1); Likely benign (9). 4 of the submissions do not count toward it. Last evaluated 2026-06-01.

Conditions:
Inborn genetic diseases. Identifiers: MedGen C0950123, MeSH D030342.
Cohen syndrome (COH1). Also called: PEPPER SYNDROME; Cutis verticis gyrata, retinitis pigmentosa, and sensorineural deafness. Identifiers: Orphanet 193, MedGen C0265223, MONDO:0008999, OMIM 216550.

Allele frequency attached by ClinVar (database versions not stated): ESP Exome Variant Server 0.00062; ExAC 0.00067; gnomAD exomes 0.00071 and 0.00072; gnomAD 0.00072 and 0.00076; 1000 Genomes Project 30x 0.00094; TOPMed 0.00106; 1000 Genomes Project 0.00120.
gnomAD v4.1: 1,178 of 1,614,214 alleles (0.073%); highest among the groups gnomAD compares: Admixed American, 0.17%; no homozygotes.

Submissions (15):

CeGaT Center for Human Genetics Tuebingen
Classification: Likely benign. Last evaluated: 2026-06-01. Review status: criteria provided, single submitter. Criteria: CeGaT Center For Human Genetics Tuebingen Variant Classification Criteria Version 2. Collection method: clinical testing. Allele origin: germline. Affected: yes. Observed: 7 variant alleles.
Comment: VPS13B: BP4, BP7

Labcorp Genetics (formerly Invitae), Labcorp
Classification: Likely benign for Cohen syndrome. Last evaluated: 2026-01-27. Review status: criteria provided, single submitter. Criteria: Invitae Variant Classification Sherloc (09022015). Collection method: clinical testing. Allele origin: germline.

Women's Health and Genetics/Laboratory Corporation of America, LabCorp
Classification: Likely benign. Last evaluated: 2026-01-23. Review status: criteria provided, single submitter. Criteria: LabCorp Variant Classification Summary - May 2015. Collection method: clinical testing. Allele origin: germline.

Mayo Clinic Laboratories, Mayo Clinic
Classification: Likely benign. Last evaluated: 2025-07-30. Review status: criteria provided, single submitter. Criteria: ACMG Guidelines, 2015. Collection method: clinical testing. Allele origin: germline. Observed: 6 variant alleles.
Comment: BP1, BP4, BP7

Athena Diagnostics
Classification: Benign. Last evaluated: 2025-07-08. Review status: criteria provided, single submitter. Criteria: Athena Diagnostics Criteria. Collection method: clinical testing. Allele origin: unknown.
Comment: The frequency of this variant in the general population is higher than would generally be expected for pathogenic variants in this gene. Computational tools yielded predictions that this variant is unlikely to have an effect on normal RNA splicing. This nucleotide position exhibits low evolutionary conservation.

Blueprint Genetics
Classification: Likely benign. Last evaluated: 2024-11-08. Review status: criteria provided, single submitter. Criteria: ACMG Guidelines, 2015. Collection method: clinical testing. Allele origin: germline.

Genome-Nilou Lab
Classification: Likely benign for Cohen syndrome. Last evaluated: 2021-05-18. Review status: criteria provided, single submitter. Criteria: ACMG Guidelines, 2015. Collection method: clinical testing. Allele origin: germline. Affected: no.

Illumina Laboratory Services, Illumina
Classification: Uncertain significance for Cohen syndrome. Last evaluated: 2018-01-13. Review status: criteria provided, single submitter. Criteria: ICSL Variant Classification Criteria 13 December 2019. Collection method: clinical testing. Allele origin: germline.

Genetic Services Laboratory, University of Chicago
Classification: Likely benign. Last evaluated: 2017-05-18. Review status: criteria provided, single submitter. Criteria: ACMG Guidelines, 2015. Collection method: clinical testing. Allele origin: germline. Affected: no.

Ambry Genetics
Classification: Likely benign for Inborn genetic diseases. Last evaluated: 2016-10-05. Review status: criteria provided, single submitter. Criteria: Ambry Variant Classification Scheme 2023. Collection method: clinical testing. Allele origin: germline.

Eurofins Ntd Llc (ga)
Classification: Likely benign. Last evaluated: 2014-12-18. Review status: criteria provided, single submitter. Criteria: EGL Classification Definitions 2015. Collection method: clinical testing. Allele origin: germline. Observed: 2 variant alleles, 2 heterozygotes.

Natera, Inc.
Classification: Likely benign for Cohen syndrome. Last evaluated: 2020-09-16. Review status: no assertion criteria provided. Collection method: clinical testing. Allele origin: germline. Not counted in ClinVar's aggregate classification.

Clinical Genetics DNA and cytogenetics Diagnostics Lab, Erasmus MC, Erasmus Medical Center
Classification: Likely benign. Review status: no assertion criteria provided. Collection method: clinical testing. Allele origin: germline. Affected: yes. Study: VKGL Data-share Consensus. Not counted in ClinVar's aggregate classification.

Clinical Genetics, Academic Medical Center
Classification: Benign. Review status: no assertion criteria provided. Collection method: clinical testing. Allele origin: germline. Affected: yes. Study: VKGL Data-share Consensus. Not counted in ClinVar's aggregate classification.

Genome Diagnostics Laboratory, University Medical Center Utrecht
Classification: Likely benign. Review status: no assertion criteria provided. Collection method: clinical testing. Allele origin: germline. Affected: yes. Study: VKGL Data-share Consensus. Not counted in ClinVar's aggregate classification.

NM_152564.5(VPS13B):c.11613C>T (p.Phe3871=)

Gene: VPS13B (vacuolar protein sorting 13 homolog B; plus strand). Cytogenetic location: 8q22.2.
Variant type: single nucleotide variant.
Coding change: c.11613C>T on transcript NM_152564.5 (MANE Select); coding-DNA position 11613, C replaced by T.
Protein change: p.Phe3871=; no amino-acid change (phenylalanine 3871 retained).
Molecular consequence: synonymous variant.
Genome position (GRCh38, 1-based): chr8:99,871,565, C>T. VCF-style: chr8-99871565-C-T. GRCh37 (hg19) VCF-style: chr8-100883793-C-T.
Other names: p.Phe3896=; c.11688C>T, p.Phe3896= (NM_017890.5).
Identifiers: ClinVar variation 95828 (VCV000095828.60), dbSNP rs139436386, ClinGen allele CA148915.